The following is an entry in ClinVar:

ClinVar aggregate classification (germline): Uncertain significance. Review status: criteria provided, multiple submitters, no conflicts (2 of 4 stars). 2 submissions from 2 submitters: Uncertain significance (2). Last evaluated 2022-07-19.

Conditions:
Orofaciodigital syndrome type 6 (OFD6). Also called: OROFACIODIGITAL SYNDROME VI; OFDS VI; POLYDACTYLY, CLEFT LIP/PALATE OR LINGUAL LUMP, AND PSYCHOMOTOR RETARDATION; VARADI SYNDROME; VARADI-PAPP SYNDROME; Oral-facial-digital syndrome type 6. Identifiers: Orphanet 2754, MedGen C2745997, MONDO:0010176, OMIM 277170.
Joubert syndrome 17 (JBTS17). Identifiers: Orphanet 475, MedGen C3553264, MONDO:0013824, OMIM 614615.

gnomAD v4.1: 1 of 1,613,020 alleles (0.000062%); highest among the groups gnomAD compares: Non-Finnish European, 0.000085%; no homozygotes.

Submissions (2):

Labcorp Genetics (formerly Invitae), Labcorp
Classification: Uncertain significance. Last evaluated: 2022-07-19. Review status: criteria provided, single submitter. Criteria: Invitae Variant Classification Sherloc (09022015). Collection method: clinical testing. Allele origin: germline.
Comment: In summary, the available evidence is currently insufficient to determine the role of this variant in disease. Therefore, it has been classified as a Variant of Uncertain Significance. Advanced modeling of protein sequence and biophysical properties (such as structural, functional, and spatial information, amino acid conservation, physicochemical variation, residue mobility, and thermodynamic stability) performed at Invitae indicates that this missense variant is not expected to disrupt CPLANE1 protein function. ClinVar contains an entry for this variant (Variation ID: 1509176). This variant has not been reported in the literature in individuals affected with CPLANE1-related conditions. This variant is not present in population databases (gnomAD no frequency). This sequence change replaces valine, which is neutral and non-polar, with phenylalanine, which is neutral and non-polar, at codon 1407 of the CPLANE1 protein (p.Val1407Phe).

Fulgent Genetics
Classification: Uncertain significance for Orofaciodigital syndrome type 6; Joubert syndrome 17. Last evaluated: 2022-03-30. Review status: criteria provided, single submitter. Criteria: ACMG Guidelines, 2015. Collection method: clinical testing. Allele origin: unknown.

NM_001384732.1(CPLANE1):c.4219G>T (p.Val1407Phe)

Gene: CPLANE1 (ciliogenesis and planar polarity effector complex subunit 1; minus strand). Cytogenetic location: 5p13.2.
Variant type: single nucleotide variant.
Coding change: c.4219G>T on transcript NM_001384732.1 (MANE Select); coding-DNA position 4219, G replaced by T.
Protein change: p.Val1407Phe; replaces valine 1407 with phenylalanine.
Molecular consequence: missense variant.
Genome position (GRCh38, 1-based): chr5:37,185,050, C>A on the plus strand (G>T on the coding strand, the complement: CPLANE1 is on the minus strand). VCF-style: chr5-37185050-C-A. GRCh37 (hg19) VCF-style: chr5-37185152-C-A.
Other names: c.4219G>T, p.Val1407Phe (NM_023073.4); short protein forms V1407F.
Identifiers: ClinVar variation 1509176 (VCV001509176.6), dbSNP rs2151179962, ClinGen allele CA359501968.